The following is an entry in ClinVar:

ClinVar aggregate classification (germline): Conflicting classifications of pathogenicity. Review status: criteria provided, conflicting classifications (1 of 4 stars). 4 submissions from 4 submitters: Uncertain significance (1); Likely benign (3). Last evaluated 2024-10-16.

Conditions:
COG8-congenital disorder of glycosylation. Also called: COG8-CDG; CDG IIh. Identifiers: Orphanet 95428, MedGen C1970021, MONDO:0012635, OMIM 611182.

Allele frequency attached by ClinVar (database versions not stated): ESP Exome Variant Server 0.00008; gnomAD 0.00013; gnomAD exomes 0.00014; 1000 Genomes Project 30x 0.00016; ExAC 0.00018; TOPMed 0.00018; 1000 Genomes Project 0.00020.
gnomAD v4.1: 227 of 1,614,162 alleles (0.014%); highest among the groups gnomAD compares: Admixed American, 0.02%; no homozygotes.

Submissions (4):

Blueprint Genetics
Classification: Likely benign. Last evaluated: 2024-10-16. Review status: criteria provided, single submitter. Criteria: ACMG Guidelines, 2015. Collection method: clinical testing. Allele origin: germline.

Labcorp Genetics (formerly Invitae), Labcorp
Classification: Likely benign for COG8-congenital disorder of glycosylation. Last evaluated: 2024-04-10. Review status: criteria provided, single submitter. Criteria: Invitae Variant Classification Sherloc (09022015). Collection method: clinical testing. Allele origin: germline.

GeneDx
Classification: Likely benign. Last evaluated: 2018-04-23. Review status: criteria provided, single submitter. Criteria: GeneDx Variant Classification (06012015). Collection method: clinical testing. Allele origin: germline. Affected: yes.
Comment: This variant is considered likely benign or benign based on one or more of the following criteria: it is a conservative change, it occurs at a poorly conserved position in the protein, it is predicted to be benign by multiple in silico algorithms, and/or has population frequency not consistent with disease.

Illumina Laboratory Services, Illumina
Classification: Uncertain significance for COG8-congenital disorder of glycosylation. Last evaluated: 2018-01-13. Review status: criteria provided, single submitter. Criteria: ICSL Variant Classification Criteria 13 December 2019. Collection method: clinical testing. Allele origin: germline.

NM_032382.5(COG8):c.525G>A (p.Leu175=)

Gene: COG8 (component of oligomeric golgi complex 8; minus strand). Cytogenetic location: 16q22.1.
Variant type: single nucleotide variant.
Coding change: c.525G>A on transcript NM_032382.5 (MANE Select); coding-DNA position 525, G replaced by A.
Protein change: p.Leu175=; no amino-acid change (leucine 175 retained).
Molecular consequence: synonymous variant.
Genome position (GRCh38, 1-based): chr16:69,336,565, C>T on the plus strand (G>A on the coding strand, the complement: COG8 is on the minus strand). VCF-style: chr16-69336565-C-T. GRCh37 (hg19) VCF-style: chr16-69370468-C-T.
Other names: c.525G>A, p.Leu175= (NM_001374871.1, NM_001379261.1, NM_001379262.1 and 4 more transcripts).
Identifiers: ClinVar variation 468871 (VCV000468871.15), dbSNP rs187905134, ClinGen allele CA8133938.